The following is an entry in ClinVar:

NM_000744.7(CHRNA4):c.778C>T (p.Leu260Phe)

Gene: CHRNA4 (cholinergic receptor nicotinic alpha 4 subunit; minus strand). Cytogenetic location: 20q13.33.
Variant type: single nucleotide variant.
Coding change: c.778C>T on transcript NM_000744.7 (MANE Select); coding-DNA position 778, C replaced by T.
Protein change: p.Leu260Phe; replaces leucine 260 with phenylalanine.
Molecular consequence: missense variant. On other transcripts: non-coding transcript variant (1).
Genome position (GRCh38, 1-based): chr20:63,350,633, G>A on the plus strand (C>T on the coding strand, the complement: CHRNA4 is on the minus strand). VCF-style: chr20-63350633-G-A. GRCh37 (hg19) VCF-style: chr20-61981985-G-A.
Other names: c.250C>T, p.Leu84Phe (NM_001256573.2); short protein forms L84F, L260F.
Identifiers: ClinVar variation 1760633 (VCV001760633.5), dbSNP rs770780958, ClinGen allele CA9957730.

ClinVar aggregate classification (germline): Uncertain significance. Review status: criteria provided, multiple submitters, no conflicts (2 of 4 stars). 2 submissions from 2 submitters: Uncertain significance (2). Last evaluated 2023-12-02.

Conditions:
Inborn genetic diseases. Identifiers: MedGen C0950123, MeSH D030342.
Familial sleep-related hypermotor epilepsy. Also called: Autosomal Dominant Sleep-Related Hypermotor (Hyperkinetic) Epilepsy. Identifiers: Orphanet 98784, MedGen C3696898, MONDO:0000030.

Allele frequency attached by ClinVar (database versions not stated): ExAC 0.00001; gnomAD exomes below 0.00001.

Submissions (2):

Labcorp Genetics (formerly Invitae), Labcorp
Classification: Uncertain significance. Last evaluated: 2023-12-02. Review status: criteria provided, single submitter. Criteria: Invitae Variant Classification Sherloc (09022015). Collection method: clinical testing. Allele origin: germline.
Comment: This sequence change replaces leucine, which is neutral and non-polar, with phenylalanine, which is neutral and non-polar, at codon 260 of the CHRNA4 protein (p.Leu260Phe). This variant is present in population databases (rs770780958, gnomAD 0.003%). This variant has not been reported in the literature in individuals affected with CHRNA4-related conditions. ClinVar contains an entry for this variant (Variation ID: 1760633). Advanced modeling of protein sequence and biophysical properties (such as structural, functional, and spatial information, amino acid conservation, physicochemical variation, residue mobility, and thermodynamic stability) performed at Invitae indicates that this missense variant is expected to disrupt CHRNA4 protein function with a positive predictive value of 80%. In summary, the available evidence is currently insufficient to determine the role of this variant in disease. Therefore, it has been classified as a Variant of Uncertain Significance.

Ambry Genetics
Classification: Uncertain significance for Inborn genetic diseases. Last evaluated: 2018-03-12. Review status: criteria provided, single submitter. Criteria: Ambry Variant Classification Scheme 2023. Collection method: clinical testing. Allele origin: germline.
Comment: The p.L260F variant (also known as c.778C>T), located in coding exon 5 of the CHRNA4 gene, results from a C to T substitution at nucleotide position 778. The leucine at codon 260 is replaced by phenylalanine, an amino acid with highly similar properties. This amino acid position is highly conserved in available vertebrate species. In addition, this alteration is predicted to be deleterious by in silico analysis. Since supporting evidence is limited at this time, the clinical significance of this alteration remains unclear.